The following is an entry in ClinVar:

ClinVar aggregate classification (germline): Conflicting classifications of pathogenicity. Review status: criteria provided, conflicting classifications (1 of 4 stars). 3 submissions from 3 submitters: Pathogenic (1); Likely pathogenic (1); Uncertain significance (1). Last evaluated 2025-07-02.

Conditions:
Cardiovascular phenotype. Identifiers: MedGen CN230736.
Hereditary cancer-predisposing syndrome. Also called: Neoplastic Syndromes, Hereditary; Tumor predisposition; Hereditary Cancer Syndrome; Hereditary neoplastic syndrome. Identifiers: Orphanet 140162, MedGen C0027672, MeSH D009386, MONDO:0015356.
Neurofibromatosis, type 1 (NF1). Also called: VON RECKLINGHAUSEN DISEASE; NEUROFIBROMATOSIS, TYPE I, SOMATIC; Neurofibromatosis, type I; Peripheral type neurofibromatosis. Identifiers: Orphanet 636, MedGen C0027831, MONDO:0018975, OMIM 162200. Disease mechanism: loss of function.

Submissions (3):

Institute of Human Genetics, University of Leipzig Medical Center
Classification: Uncertain significance for Neurofibromatosis, type 1. Last evaluated: 2025-07-02. Review status: criteria provided, single submitter. Criteria: ACMG Guidelines, 2015. Collection method: clinical testing. Allele origin: unknown. Inheritance: Autosomal dominant inheritance. Affected: yes.
Comment: Criteria applied: PS4_MOD,PM2,PP3

Labcorp Genetics (formerly Invitae), Labcorp
Classification: Likely pathogenic for Neurofibromatosis, type 1. Last evaluated: 2024-06-18. Review status: criteria provided, single submitter. Criteria: Invitae Variant Classification Sherloc (09022015). Collection method: clinical testing. Allele origin: germline.
Comment: This sequence change replaces leucine, which is neutral and non-polar, with valine, which is neutral and non-polar, at codon 1420 of the NF1 protein (p.Leu1420Val). This variant is not present in population databases (gnomAD no frequency). This missense change has been observed in individual(s) with clinical features of Neurofibromatosis, type 1 (Invitae). ClinVar contains an entry for this variant (Variation ID: 1739139). Advanced modeling of protein sequence and biophysical properties (such as structural, functional, and spatial information, amino acid conservation, physicochemical variation, residue mobility, and thermodynamic stability) performed at Invitae indicates that this missense variant is expected to disrupt NF1 protein function with a positive predictive value of 95%. Algorithms developed to predict the effect of sequence changes on RNA splicing suggest that this variant may disrupt the consensus splice site. In summary, the currently available evidence indicates that the variant is pathogenic, but additional data are needed to prove that conclusively. Therefore, this variant has been classified as Likely Pathogenic.

Ambry Genetics
Classification: Pathogenic for Cardiovascular phenotype; Hereditary cancer-predisposing syndrome. Last evaluated: 2022-09-19. Review status: criteria provided, single submitter. Criteria: Ambry Variant Classification Scheme 2023. Collection method: clinical testing. Allele origin: germline.
Comment: The c.4258T>G pathogenic mutation (also known as p.L1420V), located in coding exon 31 of the NF1 gene, results from a T to G substitution at nucleotide position 4258. The leucine at codon 1420 is replaced by valine, an amino acid with highly similar properties. This mutation has been detected in individuals with clinical features of neurofibromatosis type 1 (Ambry internal data). This nucleotide position is not well conserved in available vertebrate species. In silico splice site analysis predicts that this alteration will result in the creation or strengthening of a novel splice donor site. RNA studies have demonstrated that this alteration results in abnormal splicing in the set of samples tested (Ambry internal data). Based on the supporting evidence, this alteration is interpreted as a disease-causing mutation.

NM_001042492.3(NF1):c.4321T>G (p.Leu1441Val)

Gene: NF1 (neurofibromin 1; plus strand). Cytogenetic location: 17q11.2.
Variant type: single nucleotide variant.
Coding change: c.4321T>G on transcript NM_001042492.3 (MANE Select); coding-DNA position 4321, T replaced by G.
Protein change: p.Leu1441Val; replaces leucine 1441 with valine.
Molecular consequence: missense variant.
Genome position (GRCh38, 1-based): chr17:31,258,491, T>G. VCF-style: chr17-31258491-T-G. GRCh37 (hg19) VCF-style: chr17-29585509-T-G.
Other names: c.4258T>G, p.Leu1420Val (NM_000267.4); short protein forms L1420V, L1441V.
Identifiers: ClinVar variation 1739139 (VCV001739139.8), dbSNP rs786201458, ClinGen allele CA398998139.